The following is an entry in ClinVar:

ClinVar aggregate classification (germline): Benign/Likely benign. Review status: criteria provided, multiple submitters, no conflicts (2 of 4 stars). 3 submissions from 3 submitters: Benign (1); Likely benign (2). Last evaluated 2026-09-14.

Conditions:
Colorectal cancer, hereditary nonpolyposis, type 7. Identifiers: Orphanet 144, MedGen C1858380, MONDO:0013725, OMIM 614385.

Allele frequency attached by ClinVar (database versions not stated): ExAC 0.00001; TOPMed 0.00002; gnomAD exomes below 0.00001.

Submissions (3):

Myriad Genetics, Inc.
Classification: Benign for Colorectal cancer, hereditary nonpolyposis, type 7. Last evaluated: 2026-09-14. Review status: criteria provided, single submitter. Criteria: Myriad Autosomal Dominant, Autosomal Recessive and X-Linked Classification Criteria (2023). Collection method: clinical testing. Allele origin: unknown.
Comment: This variant is considered benign. This variant is a silent/synonymous amino acid change and it is not expected to impact splicing.

Ambry Genetics
Classification: Likely benign. Last evaluated: 2024-12-06. Review status: criteria provided, single submitter. Criteria: Ambry Variant Classification Scheme 2023. Collection method: clinical testing. Allele origin: germline.

Labcorp Genetics (formerly Invitae), Labcorp
Classification: Likely benign for Colorectal cancer, hereditary nonpolyposis, type 7. Last evaluated: 2022-02-03. Review status: criteria provided, single submitter. Criteria: Invitae Variant Classification Sherloc (09022015). Collection method: clinical testing. Allele origin: germline.

NM_001040108.2(MLH3):c.2826A>G (p.Thr942=)

Gene: MLH3 (mutL homolog 3; minus strand). Cytogenetic location: 14q24.3.
Variant type: single nucleotide variant.
Coding change: c.2826A>G on transcript NM_001040108.2 (MANE Select); coding-DNA position 2826, A replaced by G.
Protein change: p.Thr942=; no amino-acid change (threonine 942 retained).
Molecular consequence: synonymous variant.
Genome position (GRCh38, 1-based): chr14:75,046,830, T>C on the plus strand (A>G on the coding strand, the complement: MLH3 is on the minus strand). VCF-style: chr14-75046830-T-C. GRCh37 (hg19) VCF-style: chr14-75513533-T-C.
Other names: c.2826A>G, p.Thr942= (NM_014381.3).
Identifiers: ClinVar variation 2038318 (VCV002038318.6), dbSNP rs755344601, ClinGen allele CA7275632.